The following is an entry in ClinVar:

ClinVar aggregate classification (germline): Uncertain significance (1 of 4 stars; one submission).

Conditions:
Hereditary cancer-predisposing syndrome. Also called: Tumor predisposition; Hereditary Cancer Syndrome; Neoplastic Syndromes, Hereditary; Hereditary neoplastic syndrome. Identifiers: Orphanet 140162, MedGen C0027672, MeSH D009386, MONDO:0015356.

Submission:

Ambry Genetics
Classification: Uncertain significance for Hereditary cancer-predisposing syndrome. Last evaluated: 2024-08-30. Review status: criteria provided, single submitter. Criteria: Ambry Variant Classification Scheme 2023. Collection method: clinical testing. Allele origin: germline.
Comment: The p.K2406E variant (also known as c.7216A>G), located in coding exon 48 of the ATM gene, results from an A to G substitution at nucleotide position 7216. The lysine at codon 2406 is replaced by glutamic acid, an amino acid with similar properties. This amino acid position is conserved. In addition, the in silico prediction for this alteration is inconclusive. Based on the available evidence, the clinical significance of this variant remains unclear.

NM_000051.4(ATM):c.7216A>G (p.Lys2406Glu)

Genes: ATM (ATM serine/threonine kinase; plus strand), C11orf65 (chromosome 11 open reading frame 65; minus strand). Cytogenetic location: 11q22.3.
Variant type: single nucleotide variant.
Coding change: c.7216A>G on transcript NM_000051.4 (MANE Select); coding-DNA position 7216, A replaced by G.
Protein change: p.Lys2406Glu; replaces lysine 2406 with glutamic acid.
Molecular consequence: missense variant. On other transcripts: intron variant (2).
Genome position (GRCh38, 1-based): chr11:108,329,147, A>G. VCF-style: chr11-108329147-A-G. GRCh37 (hg19) VCF-style: chr11-108199874-A-G.
Other names: c.7216A>G, p.Lys2406Glu (NM_001351834.2); c.641-20076T>C (NM_001330368.2); c.*38+6073T>C (NM_001351110.2); short protein forms K2406E.
Identifiers: ClinVar variation 3450963 (VCV003450963.1).